The following is an entry in ClinVar:

ClinVar aggregate classification (germline): Benign/Likely benign. Review status: criteria provided, multiple submitters, no conflicts (2 of 4 stars). 2 submissions from 2 submitters: Benign (1); Likely benign (1). Last evaluated 2026-06-13.

Conditions:
Hereditary cancer-predisposing syndrome. Also called: Neoplastic Syndromes, Hereditary; Tumor predisposition; Hereditary Cancer Syndrome; Hereditary neoplastic syndrome. Identifiers: Orphanet 140162, MedGen C0027672, MeSH D009386, MONDO:0015356.
Hereditary diffuse gastric adenocarcinoma (HDGC). Also called: DIFFUSE GASTRIC AND LOBULAR BREAST CANCER SYNDROME. Identifiers: Orphanet 26106, MedGen C1708349, MONDO:0007648, OMIM 137215.

gnomAD v4.1: 1 of 1,614,162 alleles (0.000062%); highest among the groups gnomAD compares: Non-Finnish European, 0.000085%; no homozygotes.

Submissions (2):

Ambry Genetics
Classification: Likely benign for Hereditary cancer-predisposing syndrome. Last evaluated: 2026-06-13. Review status: criteria provided, single submitter. Criteria: Ambry Variant Classification Scheme 2023. Collection method: clinical testing. Allele origin: germline.

Myriad Genetics, Inc.
Classification: Benign for Hereditary diffuse gastric adenocarcinoma. Last evaluated: 2024-09-19. Review status: criteria provided, single submitter. Criteria: Myriad Autosomal Dominant, Autosomal Recessive and X-Linked Classification Criteria (2023). Collection method: clinical testing. Allele origin: unknown.
Comment: This variant is considered benign. This variant is a silent/synonymous amino acid change and it is not expected to impact splicing.

NM_004360.5(CDH1):c.1488C>A (p.Ser496=)

Gene: CDH1 (cadherin 1; plus strand). Cytogenetic location: 16q22.1.
Variant type: single nucleotide variant.
Coding change: c.1488C>A on transcript NM_004360.5 (MANE Select); coding-DNA position 1488, C replaced by A.
Protein change: p.Ser496=; no amino-acid change (serine 496 retained).
Molecular consequence: synonymous variant. On other transcripts: 5 prime UTR variant (2).
Genome position (GRCh38, 1-based): chr16:68,815,682, C>A. VCF-style: chr16-68815682-C-A. GRCh37 (hg19) VCF-style: chr16-68849585-C-A.
Other names: c.1305C>A, p.Ser435= (NM_001317184.2); c.-61C>A (NM_001317185.2); c.-332C>A (NM_001317186.2).
Identifiers: ClinVar variation 3378824 (VCV003378824.2).